The following is an entry in ClinVar:

NM_000053.4(ATP7B):c.2782A>G (p.Ile928Val)

Gene: ATP7B (ATPase copper transporting beta; minus strand). Cytogenetic location: 13q14.3.
Variant type: single nucleotide variant.
Coding change: c.2782A>G on transcript NM_000053.4 (MANE Select); coding-DNA position 2782, A replaced by G.
Protein change: p.Ile928Val; replaces isoleucine 928 with valine.
Molecular consequence: missense variant. On other transcripts: intron variant (3).
Genome position (GRCh38, 1-based): chr13:51,949,745, T>C on the plus strand (A>G on the coding strand, the complement: ATP7B is on the minus strand). VCF-style: chr13-51949745-T-C. GRCh37 (hg19) VCF-style: chr13-52523881-T-C.
Other names: c.2530A>G, p.Ile844Val (NM_001330579.2, NM_001406531.1, NM_001406532.1 and 1 more transcripts); c.2782A>G, p.Ile928Val (NM_001406511.1, NM_001406512.1, NM_001406513.1 and 5 more transcripts); c.2749A>G, p.Ile917Val (NM_001406514.1); c.2686A>G, p.Ile896Val (NM_001406517.1, NM_001406518.1); c.2638A>G, p.Ile880Val (NM_001406520.1, NM_001406537.1, NM_001406521.1 and 1 more transcripts); c.2548A>G, p.Ile850Val (NM_001406534.1, NM_001406538.1, NM_001330578.2 and 2 more transcripts); c.2452A>G, p.Ile818Val (NM_001406536.1); c.2353A>G, p.Ile785Val (NM_001406539.1); and 10 more; short protein forms I498V, I712V, I734V, I766V, I785V, I812V, I817V, I818V.
Identifiers: ClinVar variation 4063570 (VCV004063570.3).

ClinVar aggregate classification (germline): Uncertain significance. Review status: criteria provided, multiple submitters, no conflicts (2 of 4 stars). 3 submissions from 3 submitters: Uncertain significance (2). 1 of the submissions does not count toward it. Last evaluated 2026-07-02.

Conditions:
Wilson disease (WND). Also called: Wilson's disease. Identifiers: Orphanet 905, MedGen C0019202, MONDO:0010200, OMIM 277900. Disease mechanism: loss of function.
Inborn genetic diseases. Identifiers: MedGen C0950123, MeSH D030342.

gnomAD v4.1: 1 of 1,614,096 alleles (0.000062%); highest among the groups gnomAD compares: Non-Finnish European, 0.000085%; no homozygotes.

Submissions (3):

Ambry Genetics
Classification: Uncertain significance for Inborn genetic diseases. Last evaluated: 2026-07-02. Review status: criteria provided, single submitter. Criteria: Ambry Variant Classification Scheme 2023. Collection method: clinical testing. Allele origin: germline.
Comment: The p.I928V variant (also known as c.2782A>G), located in coding exon 12 of the ATP7B gene, results from an A to G substitution at nucleotide position 2782. The isoleucine at codon 928 is replaced by valine, an amino acid with highly similar properties. This amino acid position is conserved. In addition, the in silico prediction for this alteration is inconclusive. Based on the available evidence, the clinical significance of this variant remains unclear.

Color Diagnostics, LLC DBA Color Health
Classification: Uncertain significance for Wilson disease. Last evaluated: 2025-08-30. Review status: criteria provided, single submitter. Criteria: ACMG Guidelines, 2015. Collection method: clinical testing. Allele origin: germline.
Comment: This missense variant replaces isoleucine with valine at codon 928 of the ATP7B protein. Computational prediction is inconclusive regarding the impact of this variant on protein structure and function. To our knowledge, functional studies have not been reported for this variant. This variant has not been reported in individuals affected with ATP7B-related disorders in the literature. This variant has not been identified in the general population by the Genome Aggregation Database (gnomAD). The available evidence is insufficient to determine the role of this variant in disease conclusively. Therefore, this variant is classified as a Variant of Uncertain Significance.

Natera, Inc.
Classification: Uncertain significance for Wilson disease. Last evaluated: 2025-02-18. Review status: no assertion criteria provided. Collection method: clinical testing. Allele origin: germline. Not counted in ClinVar's aggregate classification.